The following is an entry in ClinVar:

ClinVar aggregate classification (germline): Pathogenic (1 of 4 stars; one submission).

Allele frequency attached by ClinVar (database versions not stated): gnomAD exomes below 0.00001.

Submission:

Labcorp Genetics (formerly Invitae), Labcorp
Classification: Pathogenic. Last evaluated: 2023-05-22. Review status: criteria provided, single submitter. Criteria: Invitae Variant Classification Sherloc (09022015). Collection method: clinical testing. Allele origin: germline.
Comment: This variant is not present in population databases (gnomAD no frequency). This sequence change creates a premature translational stop signal (p.Lys1087Asnfs*14) in the ABCA12 gene. It is expected to result in an absent or disrupted protein product. Loss-of-function variants in ABCA12 are known to be pathogenic (PMID: 20672373). For these reasons, this variant has been classified as Pathogenic. This variant has not been reported in the literature in individuals affected with ABCA12-related conditions.

Literature cited by the submitters: PubMed 20672373.

NM_173076.3(ABCA12):c.3261del (p.Lys1087fs)

Gene: ABCA12 (ATP binding cassette subfamily A member 12; minus strand). Cytogenetic location: 2q35.
Variant type: Deletion.
Coding change: c.3261del on transcript NM_173076.3 (MANE Select); coding-DNA position 3261, one base deleted (G; older notation c.3261delG).
Protein change: p.Lys1087fs; shifts the reading frame from lysine 1087.
Molecular consequence: frameshift variant. On other transcripts: non-coding transcript variant (1).
Genome position (GRCh38, 1-based): chr2:214,997,728, C deleted on the plus strand (G on the coding strand, the reverse complement: ABCA12 is on the minus strand). VCF-style (leftmost placement, unchanged base first): chr2-214997727-GC-G. GRCh37 (hg19) VCF-style: chr2-215862451-GC-G.
Other names: c.2307del, p.Lys769fs (NM_015657.4); short protein forms K1087fs, K769fs.
Identifiers: ClinVar variation 2997004 (VCV002997004.3), dbSNP rs2469277003, ClinGen allele CA2662979116.
Genomic context (GRCh38, chr2:214,997,727, plus strand): 5'-TCATAACAAGAAGTGATTTTCAACATACCTCATGAAGCCGGAGGTCTTTCTCATAGACAA[GC>G]TTTTTTACAAAGGCAGCTATAAATACAACCCAGGCAACCATAAGCACAATTGGAAGAGAA-3'